The following is an entry in ClinVar:

NC_000023.10:g.(?_22186409)_(22208639_?)dup

Gene: PHEX (phosphate regulating endopeptidase X-linked; plus strand). Cytogenetic location: Xp22.11.
Variant type: Duplication.
Identifiers: ClinVar variation 1497641 (VCV001497641.5).

ClinVar aggregate classification (germline): Pathogenic (1 of 4 stars; one submission).

Submission:

Labcorp Genetics (formerly Invitae), Labcorp
Classification: Pathogenic. Last evaluated: 2024-01-25. Review status: criteria provided, single submitter. Criteria: Invitae Variant Classification Sherloc (09022015). Collection method: clinical testing. Allele origin: germline.
Comment: This variant results in a copy number gain of the genomic region encompassing exon(s) 13-15 of the PHEX gene. While the exact position of this variant cannot be determined from the data, sub-genic copy number gains are generally in tandem (PMID: 25640679). This variant is predicted to be out-of-frame, and may result in an absent or disrupted protein product. Loss-of-function variants in PHEX are known to be pathogenic (PMID: 9097956, 9106524, 19219621). A similar copy number variant has been observed in individuals with hypophosphatemia (PMID: 37059315; Invitae). It has also been observed to segregate with disease in related individuals. For these reasons, this variant has been classified as Pathogenic.

Literature cited by the submitters: PubMed 25640679; PubMed 9097956; PubMed 9106524; PubMed 19219621; PubMed 37059315.